The following is an entry in ClinVar:

ClinVar aggregate classification (germline): Benign (1 of 4 stars; one submission).

Conditions:
Chédiak-Higashi syndrome (CHS). Also called: Chediak-Higashi Syndrome. Identifiers: Orphanet 167, MedGen C0007965, MONDO:0008963, OMIM 214500.

Allele frequency attached by ClinVar (database versions not stated): 1000 Genomes Project 0.01158; 1000 Genomes Project 30x 0.01234.

Submission:

Illumina Laboratory Services, Illumina
Classification: Benign for Chédiak-Higashi syndrome. Last evaluated: 2018-01-13. Review status: criteria provided, single submitter. Criteria: ICSL Variant Classification Criteria 13 December 2019. Collection method: clinical testing. Allele origin: germline.
Comment: This variant was observed in the ICSL laboratory as part of a predisposition screen in an ostensibly healthy population. It had not been previously curated by ICSL or reported in the Human Gene Mutation Database (HGMD: prior to June 1st, 2018), and was therefore a candidate for classification through an automated scoring system. Utilizing variant allele frequency, disease prevalence and penetrance estimates, and inheritance mode, an automated score was calculated to assess if this variant is too frequent to cause the disease. Based on the score and internal cut-off values, a variant classified as benign is not then subjected to further curation. The score for this variant resulted in a classification of benign for this disease.

NM_000081.4(LYST):c.-134G>C

Genes: LYST (lysosomal trafficking regulator; minus strand), LOC129932856 (ATAC-STARR-seq lymphoblastoid silent region 1991; plus strand). Cytogenetic location: 1q42.3.
Variant type: single nucleotide variant.
Coding change: c.-134G>C on transcript NM_000081.4 (MANE Select); 134 bases upstream of the start codon, G replaced by C.
Molecular consequence: 5 prime UTR variant. On other transcripts: intron variant (1).
Genome position (GRCh38, 1-based): chr1:235,866,879, C>G on the plus strand (G>C on the coding strand, the complement: LYST is on the minus strand). VCF-style: chr1-235866879-C-G. GRCh37 (hg19) VCF-style: chr1-236030179-C-G.
Other names: c.-98+16308G>C (NM_001301365.1).
Identifiers: ClinVar variation 296443 (VCV000296443.5), dbSNP rs374328302, ClinGen allele CA10610556.